The following is an entry in ClinVar:

NM_000937.5(POLR2A):c.4964C>T (p.Pro1655Leu)

Gene: POLR2A (RNA polymerase II subunit A; plus strand). Cytogenetic location: 17p13.1.
Variant type: single nucleotide variant.
Coding change: c.4964C>T on transcript NM_000937.5 (MANE Select); coding-DNA position 4964, C replaced by T.
Protein change: p.Pro1655Leu; replaces proline 1655 with leucine.
Molecular consequence: missense variant.
Genome position (GRCh38, 1-based): chr17:7,513,228, C>T. VCF-style: chr17-7513228-C-T. GRCh37 (hg19) VCF-style: chr17-7416547-C-T.
Other names: short protein forms P1655L.
Identifiers: ClinVar variation 4530899 (VCV004530899.1).

ClinVar aggregate classification (germline): Uncertain significance (1 of 4 stars; one submission).

Submission:

GeneDx
Classification: Uncertain significance. Last evaluated: 2025-05-23. Review status: criteria provided, single submitter. Criteria: GeneDx Variant Classification Process June 2021. Collection method: clinical testing. Allele origin: germline. Affected: yes.
Comment: Not observed at significant frequency in large population cohorts (gnomAD); In silico analysis supports that this missense variant has a deleterious effect on protein structure/function; Has not been previously published as pathogenic or benign to our knowledge